The following is an entry in ClinVar:

NM_004415.4(DSP):c.7433C>T (p.Ser2478Phe)

Gene: DSP (desmoplakin; plus strand). Cytogenetic location: 6p24.3.
Variant type: single nucleotide variant.
Coding change: c.7433C>T on transcript NM_004415.4 (MANE Select); coding-DNA position 7433, C replaced by T.
Protein change: p.Ser2478Phe; replaces serine 2478 with phenylalanine.
Molecular consequence: missense variant.
Genome position (GRCh38, 1-based): chr6:7,584,695, C>T. VCF-style: chr6-7584695-C-T. GRCh37 (hg19) VCF-style: chr6-7584928-C-T.
Other names: c.5636C>T, p.Ser1879Phe (NM_001008844.3); c.6104C>T, p.Ser2035Phe (NM_001319034.2); short protein forms S2035F, S1879F, S2478F.
Identifiers: ClinVar variation 919097 (VCV000919097.13), dbSNP rs1759570987, ClinGen allele CA362692995.

ClinVar aggregate classification (germline): Uncertain significance. Review status: criteria provided, multiple submitters, no conflicts (2 of 4 stars). 5 submissions from 5 submitters: Uncertain significance (5). Last evaluated 2025-04-24.

Conditions:
Arrhythmogenic cardiomyopathy with wooly hair and keratoderma. Also called: PALMOPLANTAR KERATODERMA WITH LEFT VENTRICULAR CARDIOMYOPATHY AND WOOLLY HAIR; Carvajal syndrome; Dilated cardiomyopathy with woolly hair and keratoderma; Arrhythmogenic cardiomyopathy with woolly hair and keratoderma. Identifiers: Orphanet 65282, MedGen C1854063, MONDO:0011581, OMIM 605676.
Cardiomyopathy (CMYO). Also called: Cardiomyopathies. Identifiers: Orphanet 167848, MedGen C0878544, MONDO:0004994, HP:0001638. Inheritance: Various modes of inheritance.
Arrhythmogenic right ventricular dysplasia 8 (ARVD8). Also called: Arrhythmogenic Right Ventricular Dysplasia/Cardiomyopathy 8; ARRHYTHMOGENIC RIGHT VENTRICULAR DYSPLASIA, FAMILIAL, 8; ARRHYTHMOGENIC RIGHT VENTRICULAR CARDIOMYOPATHY 8. Identifiers: MedGen C1843896, MONDO:0011831, OMIM 607450.
Cardiovascular phenotype. Identifiers: MedGen CN230736.

Allele frequency attached by ClinVar (database versions not stated): gnomAD 0.00001.
gnomAD v4.1: 12 of 1,614,068 alleles (0.00074%); highest among the groups gnomAD compares: Non-Finnish European, 0.00093%; no homozygotes.

Submissions (5):

GeneDx
Classification: Uncertain significance. Last evaluated: 2025-04-24. Review status: criteria provided, single submitter. Criteria: GeneDx Variant Classification Process June 2021. Collection method: clinical testing. Allele origin: germline. Affected: yes.
Comment: Not observed at significant frequency in large population cohorts (gnomAD); In silico analysis supports that this missense variant has a deleterious effect on protein structure/function; Has not been previously published as pathogenic or benign to our knowledge

Labcorp Genetics (formerly Invitae), Labcorp
Classification: Uncertain significance for Arrhythmogenic cardiomyopathy with wooly hair and keratoderma; Arrhythmogenic right ventricular dysplasia 8. Last evaluated: 2024-10-23. Review status: criteria provided, single submitter. Criteria: Invitae Variant Classification Sherloc (09022015). Collection method: clinical testing. Allele origin: germline.
Comment: This sequence change replaces serine, which is neutral and polar, with phenylalanine, which is neutral and non-polar, at codon 2478 of the DSP protein (p.Ser2478Phe). This variant is not present in population databases (gnomAD no frequency). This variant has not been reported in the literature in individuals affected with DSP-related conditions. ClinVar contains an entry for this variant (Variation ID: 919097). An algorithm developed to predict the effect of missense changes on protein structure and function (PolyPhen-2) suggests that this variant is likely to be disruptive. In summary, the available evidence is currently insufficient to determine the role of this variant in disease. Therefore, it has been classified as a Variant of Uncertain Significance.

All of Us Research Program, National Institutes of Health
Classification: Uncertain significance for Arrhythmogenic cardiomyopathy with wooly hair and keratoderma. Last evaluated: 2024-03-24. Review status: criteria provided, single submitter. Criteria: ACMG Guidelines, 2015. Collection method: clinical testing. Allele origin: germline. Inheritance: Autosomal dominant inheritance. Observed: 1 variant allele, 1 heterozygote.
Comment: This missense variant replaces serine with phenylalanine at codon 2478 of the DSP protein. Computational prediction suggests that this variant may have deleterious impact on protein structure and function (internally defined REVEL score threshold >= 0.7, PMID: 27666373). Splice site prediction tools suggest that this variant may not impact RNA splicing. To our knowledge, functional studies have not been reported for this variant. This variant has not been reported in individuals affected with cardiovascular disorders in the literature. This variant has not been identified in the general population by the Genome Aggregation Database (gnomAD). The available evidence is insufficient to determine the role of this variant in disease conclusively. Therefore, this variant is classified as a Variant of Uncertain Significance.

This study involves interpretation of variants in research participants for the purpose of population health screening. Participant phenotype was not available at the time of variant classification. Additional details can be found in publication PMID: 35346344, PMCID: PMC8962531

Color Diagnostics, LLC DBA Color Health
Classification: Uncertain significance for Cardiomyopathy. Last evaluated: 2024-03-06. Review status: criteria provided, single submitter. Criteria: ACMG Guidelines, 2015. Collection method: clinical testing. Allele origin: germline.
Comment: This missense variant replaces serine with phenylalanine at codon 2478 of the DSP protein. Computational prediction suggests that this variant may have deleterious impact on protein structure and function (internally defined REVEL score threshold >= 0.7, PMID: 27666373). Splice site prediction tools suggest that this variant may not impact RNA splicing. To our knowledge, functional studies have not been reported for this variant. This variant has not been reported in individuals affected with cardiovascular disorders in the literature. This variant has not been identified in the general population by the Genome Aggregation Database (gnomAD). The available evidence is insufficient to determine the role of this variant in disease conclusively. Therefore, this variant is classified as a Variant of Uncertain Significance.

Ambry Genetics
Classification: Uncertain significance for Cardiovascular phenotype. Last evaluated: 2021-10-12. Review status: criteria provided, single submitter. Criteria: Ambry Variant Classification Scheme 2023. Collection method: clinical testing. Allele origin: germline.
Comment: The p.S2478F variant (also known as c.7433C>T), located in coding exon 24 of the DSP gene, results from a C to T substitution at nucleotide position 7433. The serine at codon 2478 is replaced by phenylalanine, an amino acid with highly dissimilar properties. This amino acid position is conserved. In addition, this alteration is predicted to be deleterious by in silico analysis. Since supporting evidence is limited at this time, the clinical significance of this alteration remains unclear.